The following is an entry in ClinVar:

NM_013275.6(ANKRD11):c.1759_1821del (p.Glu587_Lys607del)

Gene: ANKRD11 (ankyrin repeat domain containing 11; minus strand). Cytogenetic location: 16q24.3.
Variant type: Deletion.
Coding change: c.1759_1821del on transcript NM_013275.6 (MANE Select); coding-DNA positions 1759 to 1821, 63 bases deleted.
Protein change: p.Glu587_Lys607del.
Molecular consequence: inframe deletion.
Genome position (GRCh38, 1-based): chr16:89,284,721-89,284,783, 63 bases deleted. GRCh37 (hg19): chr16:89,351,130-89,351,192.
Other names: c.1759_1821del, p.Glu587_Lys607del (NM_001256182.2, NM_001256183.2).
Identifiers: ClinVar variation 3603155 (VCV003603155.1).

ClinVar aggregate classification (germline): Uncertain significance (1 of 4 stars; one submission).

Submission:

GeneDx
Classification: Uncertain significance. Last evaluated: 2024-08-02. Review status: criteria provided, single submitter. Criteria: GeneDx Variant Classification Process June 2021. Collection method: clinical testing. Allele origin: germline. Affected: yes.
Comment: Not observed at significant frequency in large population cohorts (gnomAD); In-frame deletion of 21 amino acids in a non-repeat region; Has not been previously published as pathogenic or benign to our knowledge